The following is an entry in ClinVar:

NM_000059.4(BRCA2):c.8697A>T (p.Gln2899His)

Gene: BRCA2 (BRCA2 DNA repair associated; plus strand). Cytogenetic location: 13q13.1.
Variant type: single nucleotide variant.
Coding change: c.8697A>T on transcript NM_000059.4 (MANE Select); coding-DNA position 8697, A replaced by T.
Protein change: p.Gln2899His; replaces glutamine 2899 with histidine.
Molecular consequence: missense variant. On other transcripts: non-coding transcript variant (1).
Genome position (GRCh38, 1-based): chr13:32,376,734, A>T. VCF-style: chr13-32376734-A-T. GRCh37 (hg19) VCF-style: chr13-32950871-A-T.
Other names: c.8601A>T, p.Gln2867His (NM_001406719.1); c.8697A>T, p.Gln2899His (NM_001406720.1); c.3765A>T, p.Gln1255His (NM_001406721.1); c.2280A>T, p.Gln760His (NM_001406722.1); short protein forms Q1255H, Q760H, Q2867H, Q2899H.
Identifiers: ClinVar variation 2753027 (VCV002753027.5), dbSNP rs786203707, ClinGen allele CA387754840.

ClinVar aggregate classification (germline): Conflicting classifications of pathogenicity. Review status: criteria provided, conflicting classifications (1 of 4 stars). 2 submissions from 2 submitters: Uncertain significance (1); Likely benign (1). Last evaluated 2025-05-15.

Conditions:
Hereditary cancer-predisposing syndrome. Also called: Neoplastic Syndromes, Hereditary; Hereditary Cancer Syndrome; Tumor predisposition; Hereditary neoplastic syndrome. Identifiers: Orphanet 140162, MedGen C0027672, MeSH D009386, MONDO:0015356.
Hereditary breast ovarian cancer syndrome. Also called: Hereditary breast and ovarian cancer; Hereditary breast and ovarian cancer syndrome; Breast and ovarian cancer; BRCA1- and BRCA2-Associated Hereditary Breast and Ovarian Cancer; Hereditary breast and ovarian cancer syndrome (HBOC); Hereditary breast and/or ovarian cancer syndrome. Identifiers: Orphanet 145, MedGen C0677776, MeSH D061325, MONDO:0003582. Disease mechanism: loss of function.

Submissions (2):

Ambry Genetics
Classification: Likely benign for Hereditary cancer-predisposing syndrome. Last evaluated: 2025-05-15. Review status: criteria provided, single submitter. Criteria: Ambry Variant Classification Scheme 2023. Collection method: clinical testing. Allele origin: germline.

Labcorp Genetics (formerly Invitae), Labcorp
Classification: Uncertain significance for Hereditary breast ovarian cancer syndrome. Last evaluated: 2023-08-16. Review status: criteria provided, single submitter. Criteria: Invitae Variant Classification Sherloc (09022015). Collection method: clinical testing. Allele origin: germline.
Comment: In summary, the available evidence is currently insufficient to determine the role of this variant in disease. Therefore, it has been classified as a Variant of Uncertain Significance. Advanced modeling of protein sequence and biophysical properties (such as structural, functional, and spatial information, amino acid conservation, physicochemical variation, residue mobility, and thermodynamic stability) performed at Invitae indicates that this missense variant is not expected to disrupt BRCA2 protein function. This variant has not been reported in the literature in individuals affected with BRCA2-related conditions. This variant is not present in population databases (gnomAD no frequency). This sequence change replaces glutamine, which is neutral and polar, with histidine, which is basic and polar, at codon 2899 of the BRCA2 protein (p.Gln2899His).